The following is an entry in ClinVar:

NM_025137.4(SPG11):c.4837T>G (p.Cys1613Gly)

Gene: SPG11 (SPG11 vesicle trafficking associated, spatacsin; minus strand). Cytogenetic location: 15q21.1.
Variant type: single nucleotide variant.
Coding change: c.4837T>G on transcript NM_025137.4 (MANE Select); coding-DNA position 4837, T replaced by G.
Protein change: p.Cys1613Gly; replaces cysteine 1613 with glycine.
Molecular consequence: missense variant.
Genome position (GRCh38, 1-based): chr15:44,589,321, A>C on the plus strand (T>G on the coding strand, the complement: SPG11 is on the minus strand). VCF-style: chr15-44589321-A-C. GRCh37 (hg19) VCF-style: chr15-44881519-A-C.
Other names: c.4837T>G, p.Cys1613Gly (NM_001160227.2, NM_001411132.1); short protein forms C1613G.
Identifiers: ClinVar variation 1964079 (VCV001964079.3), dbSNP rs764966248, ClinGen allele CA7534569.

ClinVar aggregate classification (germline): Uncertain significance (1 of 4 stars; one submission).

Conditions:
Hereditary spastic paraplegia 11. Also called: Spastic paraplegia, mental retardation and thin corpus callosum; Spastic Paraplegia 11; Nakamura Osame syndrome; Autosomal recessive hereditary spastic paraplegia, mental impairment, and thin corpus callosum; SPASTIC PARAPLEGIA, AUTOSOMAL RECESSIVE, COMPLICATED, WITH THIN CORPUS CALLOSUM; SPASTIC PARAPLEGIA, AUTOSOMAL RECESSIVE, WITH MENTAL IMPAIRMENT AND THIN CORPUS CALLOSUM. Identifiers: Orphanet 2822, MedGen C1858479, MONDO:0011445, OMIM 604360.

Allele frequency attached by ClinVar (database versions not stated): ExAC 0.00001; gnomAD 0.00001.
gnomAD v4.1: 1 of 1,614,038 alleles (0.000062%); highest among the groups gnomAD compares: Non-Finnish European, 0.000085%; no homozygotes.

Submission:

Labcorp Genetics (formerly Invitae), Labcorp
Classification: Uncertain significance for Hereditary spastic paraplegia 11. Last evaluated: 2022-09-27. Review status: criteria provided, single submitter. Criteria: Invitae Variant Classification Sherloc (09022015). Collection method: clinical testing. Allele origin: germline.
Comment: In summary, the available evidence is currently insufficient to determine the role of this variant in disease. Therefore, it has been classified as a Variant of Uncertain Significance. Algorithms developed to predict the effect of sequence changes on RNA splicing suggest that this variant may create or strengthen a splice site. Advanced modeling of protein sequence and biophysical properties (such as structural, functional, and spatial information, amino acid conservation, physicochemical variation, residue mobility, and thermodynamic stability) performed at Invitae indicates that this missense variant is expected to disrupt SPG11 protein function. This variant has not been reported in the literature in individuals affected with SPG11-related conditions. This variant is present in population databases (rs764966248, gnomAD 0.0009%). This sequence change replaces cysteine, which is neutral and slightly polar, with glycine, which is neutral and non-polar, at codon 1613 of the SPG11 protein (p.Cys1613Gly).